The following is an entry in ClinVar:

NM_030962.4(SBF2):c.1799G>A (p.Arg600Gln)

Gene: SBF2 (SET binding factor 2; minus strand). Cytogenetic location: 11p15.4.
Variant type: single nucleotide variant.
Coding change: c.1799G>A on transcript NM_030962.4 (MANE Select); coding-DNA position 1799, G replaced by A.
Protein change: p.Arg600Gln; replaces arginine 600 with glutamine.
Molecular consequence: missense variant.
Genome position (GRCh38, 1-based): chr11:9,962,018, C>T on the plus strand (G>A on the coding strand, the complement: SBF2 is on the minus strand). VCF-style: chr11-9962018-C-T. GRCh37 (hg19) VCF-style: chr11-9983565-C-T.
Other names: c.1799G>A, p.Arg600Gln (NM_001386339.1); c.1670G>A, p.Arg557Gln (NM_001386342.1); short protein forms R600Q, R557Q.
Identifiers: ClinVar variation 306604 (VCV000306604.14), dbSNP rs185968327, ClinGen allele CA5881745.

ClinVar aggregate classification (germline): Uncertain significance. Review status: criteria provided, multiple submitters, no conflicts (2 of 4 stars). 3 submissions from 3 submitters: Uncertain significance (3). Last evaluated 2025-01-08.

Conditions:
Charcot-Marie-Tooth disease type 4. Also called: Charcot-Marie-Tooth disease, type IV; Charcot-Marie-Tooth, Type 4. Identifiers: Orphanet 64749, MedGen C4082197, MONDO:0018995.
Charcot-Marie-Tooth disease type 4B2. Also called: Charcot-Marie-Tooth Neuropathy Type 4B2; CHARCOT-MARIE-TOOTH DISEASE, WITH FOCALLY FOLDED MYELIN SHEATHS, AUTOSOMAL RECESSIVE, TYPE 4B2; CMT 4B2; CHARCOT-MARIE-TOOTH DISEASE, DEMYELINATING, TYPE 4B2. Identifiers: Orphanet 99956, MedGen C1858278, MONDO:0011475, OMIM 604563.
Inborn genetic diseases. Identifiers: MedGen C0950123, MeSH D030342.

Allele frequency attached by ClinVar (database versions not stated): gnomAD 0.00001 and 0.00003; ExAC 0.00002; gnomAD exomes 0.00002 and 0.00004; TOPMed 0.00003; 1000 Genomes Project 0.00040; 1000 Genomes Project 30x 0.00047.
gnomAD v4.1: 66 of 1,613,966 alleles (0.0041%); highest among the groups gnomAD compares: Non-Finnish European, 0.0048%; no homozygotes.

Submissions (3):

Ambry Genetics
Classification: Uncertain significance for Inborn genetic diseases. Last evaluated: 2025-01-08. Review status: criteria provided, single submitter. Criteria: Ambry Variant Classification Scheme 2023. Collection method: clinical testing. Allele origin: germline.

Labcorp Genetics (formerly Invitae), Labcorp
Classification: Uncertain significance for Charcot-Marie-Tooth disease type 4. Last evaluated: 2021-09-01. Review status: criteria provided, single submitter. Criteria: Invitae Variant Classification Sherloc (09022015). Collection method: clinical testing. Allele origin: germline.
Comment: This sequence change replaces arginine with glutamine at codon 600 of the SBF2 protein (p.Arg600Gln). The arginine residue is moderately conserved and there is a small physicochemical difference between arginine and glutamine. This variant is present in population databases (rs185968327, ExAC 0.003%). This variant has not been reported in the literature in individuals affected with SBF2-related conditions. ClinVar contains an entry for this variant (Variation ID: 306604). Algorithms developed to predict the effect of missense changes on protein structure and function are either unavailable or do not agree on the potential impact of this missense change (SIFT: "Tolerated"; PolyPhen-2: "Probably Damaging"; Align-GVGD: "Class C0"). In summary, the available evidence is currently insufficient to determine the role of this variant in disease. Therefore, it has been classified as a Variant of Uncertain Significance.

Illumina Laboratory Services, Illumina
Classification: Uncertain significance for Charcot-Marie-Tooth disease type 4B2. Last evaluated: 2018-01-12. Review status: criteria provided, single submitter. Criteria: ICSL Variant Classification Criteria 13 December 2019. Collection method: clinical testing. Allele origin: germline.